The following is an entry in ClinVar:

NM_001242896.3(DEPDC5):c.3703C>G (p.Leu1235Val)

Gene: DEPDC5 (DEP domain containing 5, GATOR1 subcomplex subunit; plus strand). Cytogenetic location: 22q12.3.
Variant type: single nucleotide variant.
Coding change: c.3703C>G on transcript NM_001242896.3 (MANE Select); coding-DNA position 3703, C replaced by G.
Protein change: p.Leu1235Val; replaces leucine 1235 with valine.
Molecular consequence: missense variant. On other transcripts: non-coding transcript variant (2).
Genome position (GRCh38, 1-based): chr22:31,876,163, C>G. VCF-style: chr22-31876163-C-G. GRCh37 (hg19) VCF-style: chr22-32272149-C-G.
Other names: c.3676C>G, p.Leu1226Val (NM_001136029.4); c.3403C>G, p.Leu1135Val (NM_001242897.2); c.3637C>G, p.Leu1213Val (NM_001363852.2, NM_001364320.2); c.3469C>G, p.Leu1157Val (NM_001363854.2, NM_001364319.2); c.3703C>G, p.Leu1235Val (NM_001364318.2); c.3619C>G, p.Leu1207Val (NM_001369901.1, NM_001369902.1); c.3610C>G, p.Leu1204Val (NM_001369903.1, NM_014662.6); short protein forms L1135V, L1157V, L1204V, L1207V, L1213V, L1226V, L1235V.
Identifiers: ClinVar variation 1006335 (VCV001006335.8), dbSNP rs766933880, ClinGen allele CA10197076.

ClinVar aggregate classification (germline): Uncertain significance (1 of 4 stars; one submission).

Conditions:
Familial focal epilepsy with variable foci (FPEVF). Identifiers: Orphanet 98820, MedGen C1858477, MONDO:0020310.

Allele frequency attached by ClinVar (database versions not stated): gnomAD exomes below 0.00001; ExAC 0.00001; TOPMed 0.00001.
gnomAD v4.1: 3 of 1,613,676 alleles (0.00019%); highest among the groups gnomAD compares: Non-Finnish European, 0.00025%; no homozygotes.

Submission:

Labcorp Genetics (formerly Invitae), Labcorp
Classification: Uncertain significance for Familial focal epilepsy with variable foci. Last evaluated: 2023-07-25. Review status: criteria provided, single submitter. Criteria: Invitae Variant Classification Sherloc (09022015). Collection method: clinical testing. Allele origin: germline.
Comment: Experimental studies and prediction algorithms are not available or were not evaluated, and the functional significance of this variant is currently unknown. This sequence change replaces leucine, which is neutral and non-polar, with valine, which is neutral and non-polar, at codon 1235 of the DEPDC5 protein (p.Leu1235Val). This variant is present in population databases (rs766933880, gnomAD 0.0009%). This variant has not been reported in the literature in individuals affected with DEPDC5-related conditions. ClinVar contains an entry for this variant (Variation ID: 1006335). In summary, the available evidence is currently insufficient to determine the role of this variant in disease. Therefore, it has been classified as a Variant of Uncertain Significance.